The following is an entry in ClinVar:

ClinVar aggregate classification (germline): Uncertain significance (1 of 4 stars; one submission).

Conditions:
Ataxia-telangiectasia syndrome (AT). Also called: Ataxia-telangiectasia, complementation group D; AT, COMPLEMENTATION GROUP C; ATAXIA-TELANGIECTASIA, COMPLEMENTATION GROUP A; ATAXIA-TELANGIECTASIA, FRESNO VARIANT; Ataxia-telangiectasia; Ataxia-telangiectasia, complementation group E. Identifiers: Orphanet 100, MedGen C0004135, MONDO:0008840, OMIM 208900.

Submission:

Labcorp Genetics (formerly Invitae), Labcorp
Classification: Uncertain significance for Ataxia-telangiectasia syndrome. Last evaluated: 2025-01-22. Review status: criteria provided, single submitter. Criteria: Invitae Variant Classification Sherloc (09022015). Collection method: clinical testing. Allele origin: germline.
Comment: This sequence change replaces glycine, which is neutral and non-polar, with alanine, which is neutral and non-polar, at codon 2867 of the ATM protein (p.Gly2867Ala). This variant is not present in population databases (gnomAD no frequency). This variant has not been reported in the literature in individuals affected with ATM-related conditions. Invitae Evidence Modeling of protein sequence and biophysical properties (such as structural, functional, and spatial information, amino acid conservation, physicochemical variation, residue mobility, and thermodynamic stability) indicates that this missense variant is expected to disrupt ATM protein function with a positive predictive value of 95%. In summary, the available evidence is currently insufficient to determine the role of this variant in disease. Therefore, it has been classified as a Variant of Uncertain Significance.

NM_000051.4(ATM):c.8600G>C (p.Gly2867Ala)

Genes: ATM (ATM serine/threonine kinase; plus strand), C11orf65 (chromosome 11 open reading frame 65; minus strand). Cytogenetic location: 11q22.3.
Variant type: single nucleotide variant.
Coding change: c.8600G>C on transcript NM_000051.4 (MANE Select); coding-DNA position 8600, G replaced by C.
Protein change: p.Gly2867Ala; replaces glycine 2867 with alanine.
Molecular consequence: missense variant. On other transcripts: intron variant (2).
Genome position (GRCh38, 1-based): chr11:108,347,294, G>C. VCF-style: chr11-108347294-G-C. GRCh37 (hg19) VCF-style: chr11-108218021-G-C.
Other names: c.8600G>C, p.Gly2867Ala (NM_001351834.2); c.641-38223C>G (NM_001330368.2); c.695-12002C>G (NM_001351110.2); short protein forms G2867A.
Identifiers: ClinVar variation 3720489 (VCV003720489.2).
Genomic context (GRCh38, chr11:108,347,294, plus strand): 5'-AGATGGAATCAGTGATTTCAGATTGTTTGTTTCTTTTTTCTCCAGTTGGTTACATACTTG[G>C]ACTTGGTGATAGACATGTACAGAATATCTTGATAAATGAGCAGTCAGCAGAACTTGTACA-3'
Protein context (NP_000042.3, residues 2857-2877): ATSSIVGYIL[Gly2867Ala]LGDRHVQNIL